The following is an entry in ClinVar:

NM_000080.4(CHRNE):c.327_328dup (p.Ile110fs)

Genes: C17orf107 (chromosome 17 open reading frame 107; plus strand), CHRNE (cholinergic receptor nicotinic epsilon subunit; minus strand). Cytogenetic location: 17p13.2.
Variant type: Microsatellite.
Coding change: c.327_328dup on transcript NM_000080.4 (MANE Select); coding-DNA positions 327 to 328, 2 bases duplicated (GA; older notation c.327_328dupGA).
Protein change: p.Ile110fs; shifts the reading frame from isoleucine 110.
Molecular consequence: frameshift variant. On other transcripts: 3 prime UTR variant (1).
Genome position (GRCh38, 1-based): chr17:4,902,233-4,902,234, TC duplicated on the plus strand (GA on the coding strand, the reverse complement: CHRNE is on the minus strand); duplicating any 2 consecutive bases within chr17:4,902,233-4,902,237 gives the same sequence; the c. name uses the placement nearest the transcript's 3' end. VCF-style (leftmost placement, unchanged base first): chr17-4902232-A-ATC. GRCh37 (hg19) VCF-style: chr17-4805527-A-ATC.
Other names: c.*1701CT[3] (NM_001145536.2); short protein forms I110fs.
Identifiers: ClinVar variation 1995412 (VCV001995412.4), dbSNP rs2507561395, ClinGen allele CA2580613964.

ClinVar aggregate classification (germline): Pathogenic (1 of 4 stars; one submission).

Conditions:
Congenital myasthenic syndrome 4A. Also called: CONGENITAL MYASTHENIC SYNDROME TYPE Ia1; Myasthenic syndrome, congenital, 4a, slow-channel; MYASTHENIC SYNDROME, CONGENITAL, 4A, SLOW-CHANNEL, AUTOSOMAL RECESSIVE. Identifiers: Orphanet 590, MedGen C4225413, MONDO:0011600, OMIM 605809.

Submission:

Labcorp Genetics (formerly Invitae), Labcorp
Classification: Pathogenic for Congenital myasthenic syndrome 4A. Last evaluated: 2022-05-17. Review status: criteria provided, single submitter. Criteria: Invitae Variant Classification Sherloc (09022015). Collection method: clinical testing. Allele origin: germline.
Comment: For these reasons, this variant has been classified as Pathogenic. This variant has not been reported in the literature in individuals affected with CHRNE-related conditions. This variant is not present in population databases (gnomAD no frequency). This sequence change creates a premature translational stop signal (p.Ile110Argfs*28) in the CHRNE gene. It is expected to result in an absent or disrupted protein product. Loss-of-function variants in CHRNE are known to be pathogenic (PMID: 22678886).

Literature cited by the submitters: PubMed 22678886.